The following is an entry in ClinVar:

NM_001379081.2(FREM1):c.4650C>T (p.Pro1550=)

Gene: FREM1 (FRAS1 related extracellular matrix 1; minus strand). Cytogenetic location: 9p22.3.
Variant type: single nucleotide variant.
Coding change: c.4650C>T on transcript NM_001379081.2 (MANE Select); coding-DNA position 4650, C replaced by T.
Protein change: p.Pro1550=; no amino-acid change (proline 1550 retained).
Molecular consequence: synonymous variant. On other transcripts: non-coding transcript variant (2).
Genome position (GRCh38, 1-based): chr9:14,775,996, G>A on the plus strand (C>T on the coding strand, the complement: FREM1 is on the minus strand). VCF-style: chr9-14775996-G-A. GRCh37 (hg19) VCF-style: chr9-14775994-G-A.
Other names: c.258C>T, p.Pro86= (NM_001177704.3, NM_001370058.2, NM_001370061.2); c.4650C>T, p.Pro1550= (NM_144966.7).
Identifiers: ClinVar variation 4989560 (VCV004989560.1).
Genomic context (GRCh38, chr9:14,775,996, plus strand): 5'-CTGCTGGGTGAAATTGTGTTGAAGTAGCCCTGTCCCCCACAGGTAGAGCTGGCCATGCTG[G>A]GGGAGCTGAACCAAGAGGAAGGTGAGGTTCTCCGCAGGTGTATCAGGGTCGGTCAGCTGA-3'
Protein context (NP_001366010.1, residues 1540-1560): ENLTFLLVQL[Pro1550=]QHGQLYLWGT

ClinVar aggregate classification (germline): Likely benign (1 of 4 stars; one submission).

Conditions:
FREM1-related disorder. Also called: FREM1-Related Disorders; FREM1-related condition.

gnomAD v4.1: 19 of 1,614,026 alleles (0.0012%); highest among the groups gnomAD compares: African/African-American, 0.025%; no homozygotes.

Submission:

PreventionGenetics, part of Exact Sciences
Classification: Likely benign for FREM1-related condition. Last evaluated: 2026-03-10. Review status: criteria provided, single submitter. Criteria: ACMG Guidelines, 2015. Collection method: clinical testing. Allele origin: germline.
Comment: This variant is classified as likely benign based on ACMG/AMP sequence variant interpretation guidelines (Richards et al. 2015 PMID: 25741868, with internal and published modifications).